The following is an entry in ClinVar:

NM_000548.5(TSC2):c.3699C>T (p.Asn1233=)

Gene: TSC2 (TSC complex subunit 2; plus strand). Cytogenetic location: 16p13.3.
Variant type: single nucleotide variant.
Coding change: c.3699C>T on transcript NM_000548.5 (MANE Select); coding-DNA position 3699, C replaced by T.
Protein change: p.Asn1233=; no amino-acid change (asparagine 1233 retained).
Molecular consequence: synonymous variant.
Genome position (GRCh38, 1-based): chr16:2,081,683, C>T. VCF-style: chr16-2081683-C-T. GRCh37 (hg19) VCF-style: chr16-2131684-C-T.
Other names: c.3699C>T (NM_000548.4); c.3567C>T, p.Asn1189= (NM_001077183.3, NM_001370404.1); c.3699C>T, p.Asn1233= (NM_001114382.3); c.3459C>T, p.Asn1153= (NM_001318827.2); c.3423C>T, p.Asn1141= (NM_001318829.2); c.2967C>T, p.Asn989= (NM_001318831.2); c.3600C>T, p.Asn1200= (NM_001318832.2); c.3570C>T, p.Asn1190= (NM_001363528.2, NM_001370405.1, NM_021055.3).
Identifiers: ClinVar variation 468034 (VCV000468034.39), dbSNP rs773240506, ClinGen allele CA048091.
Genomic context (GRCh38, chr16:2,081,683, plus strand): 5'-GAACCCGCTCAGCCCTTTCTCCTCGGACATCAACAACATGCCCCTGCAGGAGCTGTCTAA[C>T]GCCCTCATGGCGGCTGAGCGCTTCAAGGAGCACCGGGACACAGCCCTGTACAAGTCACTG-3'
Protein context (NP_000539.2, residues 1223-1243): INNMPLQELS[Asn1233=]ALMAAERFKE

ClinVar aggregate classification (germline): Benign/Likely benign. Review status: criteria provided, multiple submitters, no conflicts (2 of 4 stars). 11 submissions from 11 submitters: Benign (3); Likely benign (7). 1 of the submissions does not count toward it. Last evaluated 2026-01-31.

Conditions:
Hereditary cancer-predisposing syndrome. Also called: Hereditary neoplastic syndrome; Tumor predisposition; Neoplastic Syndromes, Hereditary; Hereditary Cancer Syndrome. Identifiers: Orphanet 140162, MedGen C0027672, MeSH D009386, MONDO:0015356.
Tuberous sclerosis 2 (TSC2). Identifiers: Orphanet 805, MedGen C1860707, MONDO:0013199, OMIM 613254.
Lymphangiomyomatosis (LAM). Also called: Lymphangioleiomyomatosis; Lymphangioleiomyomatosis, somatic. Identifiers: Orphanet 538, MedGen C0751674, MONDO:0011705, OMIM 606690.
Isolated focal cortical dysplasia type II (FCORD2). Also called: Focal cortical dysplasia type II; CORTICAL DYSPLASIA OF TAYLOR. Identifiers: Orphanet 268994, MedGen C1846385, MONDO:0011818, OMIM 607341, HP:0032051.
TSC2-related disorder. Also called: TSC2-related condition; TSC2-Related Disorders.
Tuberous sclerosis syndrome (TSC). Also called: Tuberous Sclerosis Complex; Tuberous sclerosis. Identifiers: Orphanet 805, MedGen C0041341, MONDO:0001734.

Allele frequency attached by ClinVar (database versions not stated): gnomAD exomes 0.00002 and 0.00003; TOPMed 0.00003; ExAC 0.00001; gnomAD 0.00001.
gnomAD v4.1: 49 of 1,612,890 alleles (0.003%); highest among the groups gnomAD compares: Middle Eastern, 0.033%; no homozygotes.

Submissions (11):

Labcorp Genetics (formerly Invitae), Labcorp
Classification: Benign for Tuberous sclerosis 2. Last evaluated: 2026-01-31. Review status: criteria provided, single submitter. Criteria: Invitae Variant Classification Sherloc (09022015). Collection method: clinical testing. Allele origin: germline.

CeGaT Center for Human Genetics Tuebingen
Classification: Likely benign. Last evaluated: 2025-08-01. Review status: criteria provided, single submitter. Criteria: CeGaT Center For Human Genetics Tuebingen Variant Classification Criteria Version 2. Collection method: clinical testing. Allele origin: germline. Affected: yes. Observed: 2 variant alleles.
Comment: TSC2: BP4, BP7

Myriad Genetics, Inc.
Classification: Benign for Tuberous sclerosis 2. Last evaluated: 2025-05-30. Review status: criteria provided, single submitter. Criteria: Myriad Autosomal Dominant, Autosomal Recessive and X-Linked Classification Criteria (2023). Collection method: clinical testing. Allele origin: unknown.
Comment: This variant is considered benign. This variant is a silent/synonymous amino acid change and it is not expected to impact splicing.

Blueprint Genetics
Classification: Likely benign. Last evaluated: 2024-11-08. Review status: criteria provided, single submitter. Criteria: ACMG Guidelines, 2015. Collection method: clinical testing. Allele origin: germline.

All of Us Research Program, National Institutes of Health
Classification: Likely benign for Tuberous sclerosis syndrome. Last evaluated: 2024-08-06. Review status: criteria provided, single submitter. Criteria: ACMG Guidelines, 2015. Collection method: clinical testing. Allele origin: germline. Inheritance: Autosomal dominant inheritance. Observed: 10 variant alleles, 10 heterozygotes.
Comment: This study involves interpretation of variants in research participants for the purpose of population health screening. Participant phenotype was not available at the time of variant classification. Additional details can be found in publication PMID: 35346344, PMCID: PMC8962531

KCCC/NGS Laboratory, Kuwait Cancer Control Center
Classification: Likely benign for Tuberous sclerosis 2. Last evaluated: 2023-07-07. Review status: criteria provided, single submitter. Criteria: ACMG Guidelines, 2015. Collection method: clinical testing. Allele origin: germline. Affected: yes.

Fulgent Genetics
Classification: Likely benign for Lymphangiomyomatosis; Isolated focal cortical dysplasia type II; Tuberous sclerosis 2. Last evaluated: 2022-03-23. Review status: criteria provided, single submitter. Criteria: ACMG Guidelines, 2015. Collection method: clinical testing. Allele origin: unknown.

Genome-Nilou Lab
Classification: Benign for Tuberous sclerosis 2. Last evaluated: 2021-11-07. Review status: criteria provided, single submitter. Criteria: ACMG Guidelines, 2015. Collection method: clinical testing. Allele origin: germline. Affected: no.

Sema4
Classification: Likely benign for Hereditary cancer-predisposing syndrome. Last evaluated: 2021-07-22. Review status: criteria provided, single submitter. Criteria: Sema4 Curation Guidelines. Collection method: curation. Allele origin: germline.

Ambry Genetics
Classification: Likely benign for Hereditary cancer-predisposing syndrome. Last evaluated: 2019-10-18. Review status: criteria provided, single submitter. Criteria: Ambry Variant Classification Scheme 2023. Collection method: clinical testing. Allele origin: germline.

PreventionGenetics, part of Exact Sciences
Classification: Likely benign for TSC2-related condition. Last evaluated: 2021-09-30. Review status: no assertion criteria provided. Collection method: clinical testing. Allele origin: germline. Not counted in ClinVar's aggregate classification.
Comment: This variant is classified as likely benign based on ACMG/AMP sequence variant interpretation guidelines (Richards et al. 2015 PMID: 25741868, with internal and published modifications).